The following is an entry in ClinVar:

NM_017780.4(CHD7):c.8194G>A (p.Ala2732Thr)

Gene: CHD7 (chromodomain helicase DNA binding protein 7; plus strand). Cytogenetic location: 8q12.2.
Variant type: single nucleotide variant.
Coding change: c.8194G>A on transcript NM_017780.4 (MANE Select); coding-DNA position 8194, G replaced by A.
Protein change: p.Ala2732Thr; replaces alanine 2732 with threonine.
Molecular consequence: missense variant.
Genome position (GRCh38, 1-based): chr8:60,865,133, G>A. VCF-style: chr8-60865133-G-A. GRCh37 (hg19) VCF-style: chr8-61777692-G-A.
Other names: c.2047G>A, p.Ala683Thr (NM_001316690.1); short protein forms A2732T, A683T.
Identifiers: ClinVar variation 1505791 (VCV001505791.9), dbSNP rs1806179701, ClinGen allele CA371307649.
Genomic context (GRCh38, chr8:60,865,133, plus strand): 5'-GAGGGAGCGAGCAGAAGAGGAAGAAGGCCCAAAAGTGAGATCGCCAGAGCAGCCGCGGCC[G>A]CCGCTGCTGTGGCCTCCACGTCAGGGATCAACCCTTTGCTGGTGAACAGCCTGTTTGCTG-3'
Protein context (NP_060250.2, residues 2722-2742): KSEIARAAAA[Ala2732Thr]AAVASTSGIN

ClinVar aggregate classification (germline): Uncertain significance. Review status: criteria provided, multiple submitters, no conflicts (2 of 4 stars). 4 submissions from 4 submitters: Uncertain significance (4). Last evaluated 2025-08-25.

Conditions:
Hypogonadotropic hypogonadism 5 with or without anosmia (KAL5). Also called: HYPOGONADOTROPIC HYPOGONADISM 5 WITH ANOSMIA; HYPOGONADOTROPHIC HYPOGONADISM 5 WITHOUT ANOSMIA; CHD7-Related GnRH Deficiency (Kallmann Syndrome 5). Identifiers: Orphanet 478, MedGen C3552553, MONDO:0012880, OMIM 612370. Disease mechanism: loss of function.
CHARGE syndrome (CHARGE). Also called: Coloboma, heart anomaly, choanal atresia, retardation, genital and ear anomalies; CHARGE association; Hall-Hittner syndrome; Hittner Hirsch Kreh syndrome; CHARGE ASSOCIATION--COLOBOMA, HEART ANOMALY, CHOANAL ATRESIA, RETARDATION, GENITAL AND EAR ANOMALIES. Identifiers: Orphanet 138, MedGen C0265354, MONDO:0008965.

Allele frequency attached by ClinVar (database versions not stated): gnomAD exomes below 0.00001; TOPMed below 0.00001.
gnomAD v4.1: 2 of 1,611,490 alleles (0.00012%); highest among the groups gnomAD compares: African/African-American, 0.0013%; no homozygotes.

Submissions (4):

Labcorp Genetics (formerly Invitae), Labcorp
Classification: Uncertain significance for CHARGE syndrome. Last evaluated: 2025-08-25. Review status: criteria provided, single submitter. Criteria: Invitae Variant Classification Sherloc (09022015). Collection method: clinical testing. Allele origin: germline.
Comment: This sequence change replaces alanine, which is neutral and non-polar, with threonine, which is neutral and polar, at codon 2732 of the CHD7 protein (p.Ala2732Thr). This variant is not present in population databases (gnomAD no frequency). This variant has not been reported in the literature in individuals affected with CHD7-related conditions. ClinVar contains an entry for this variant (Variation ID: 1505791). Invitae Evidence Modeling of protein sequence and biophysical properties (such as structural, functional, and spatial information, amino acid conservation, physicochemical variation, residue mobility, and thermodynamic stability) indicates that this missense variant is not expected to disrupt CHD7 protein function with a negative predictive value of 95%. In summary, the available evidence is currently insufficient to determine the role of this variant in disease. Therefore, it has been classified as a Variant of Uncertain Significance.

Blueprint Genetics
Classification: Uncertain significance. Last evaluated: 2023-10-27. Review status: criteria provided, single submitter. Criteria: ACMG Guidelines, 2015. Collection method: clinical testing. Allele origin: germline.

GeneDx
Classification: Uncertain significance. Last evaluated: 2022-06-07. Review status: criteria provided, single submitter. Criteria: GeneDx Variant Classification Process June 2021. Collection method: clinical testing. Allele origin: germline. Affected: yes.
Comment: Not observed at significant frequency in large population cohorts (gnomAD); In silico analysis supports that this missense variant does not alter protein structure/function; This variant is associated with the following publications: (PMID: 32851286, 28833369)

Fulgent Genetics
Classification: Uncertain significance for CHD7-related CHARGE syndrome; Hypogonadotropic hypogonadism 5 with or without anosmia. Last evaluated: 2022-03-22. Review status: criteria provided, single submitter. Criteria: ACMG Guidelines, 2015. Collection method: clinical testing. Allele origin: unknown.